The following is an entry in ClinVar:

ClinVar aggregate classification (germline): Uncertain significance. Review status: criteria provided, multiple submitters, no conflicts (2 of 4 stars). 2 submissions from 2 submitters: Uncertain significance (2). Last evaluated 2025-02-21.

Conditions:
Charcot-Marie-Tooth disease type 2. Also called: Charcot-Marie-Tooth type 2. Identifiers: Orphanet 64746, MedGen C0270914, MONDO:0018993.

Allele frequency attached by ClinVar (database versions not stated): gnomAD exomes below 0.00001; ExAC 0.00001; TOPMed 0.00001.
gnomAD v4.1: 21 of 1,613,652 alleles (0.0013%); highest among the groups gnomAD compares: Non-Finnish European, 0.0016%; no homozygotes.

Submissions (2):

Labcorp Genetics (formerly Invitae), Labcorp
Classification: Uncertain significance for Charcot-Marie-Tooth disease type 2. Last evaluated: 2025-02-21. Review status: criteria provided, single submitter. Criteria: Invitae Variant Classification Sherloc (09022015). Collection method: clinical testing. Allele origin: germline.
Comment: This sequence change replaces alanine, which is neutral and non-polar, with aspartic acid, which is acidic and polar, at codon 565 of the MFN2 protein (p.Ala565Asp). This variant is present in population databases (rs770243526, gnomAD 0.0009%). This variant has not been reported in the literature in individuals affected with MFN2-related conditions. ClinVar contains an entry for this variant (Variation ID: 939420). Invitae Evidence Modeling of protein sequence and biophysical properties (such as structural, functional, and spatial information, amino acid conservation, physicochemical variation, residue mobility, and thermodynamic stability) has been performed for this missense variant. However, the output from this modeling did not meet the statistical confidence thresholds required to predict the impact of this variant on MFN2 protein function. In summary, the available evidence is currently insufficient to determine the role of this variant in disease. Therefore, it has been classified as a Variant of Uncertain Significance.

Blueprint Genetics
Classification: Uncertain significance. Last evaluated: 2022-10-17. Review status: criteria provided, single submitter. Criteria: ACMG Guidelines, 2015. Collection method: clinical testing. Allele origin: germline.

NM_014874.4(MFN2):c.1694C>A (p.Ala565Asp)

Genes: MFN2 (mitofusin 2; plus strand), LOC129929426 (ATAC-STARR-seq lymphoblastoid active region 185; plus strand). Cytogenetic location: 1p36.22.
Variant type: single nucleotide variant.
Coding change: c.1694C>A on transcript NM_014874.4 (MANE Select); coding-DNA position 1694, C replaced by A.
Protein change: p.Ala565Asp; replaces alanine 565 with aspartic acid.
Molecular consequence: missense variant.
Genome position (GRCh38, 1-based): chr1:12,005,909, C>A. VCF-style: chr1-12005909-C-A. GRCh37 (hg19) VCF-style: chr1-12065966-C-A.
Other names: c.1694C>A, p.Ala565Asp (NM_001127660.2); short protein forms A565D.
Identifiers: ClinVar variation 939420 (VCV000939420.11), dbSNP rs770243526, ClinGen allele CA599174.